The following is an entry in ClinVar:

NM_007294.4(BRCA1):c.4249G>A (p.Val1417Met)

Gene: BRCA1 (BRCA1 DNA repair associated; minus strand). Cytogenetic location: 17q21.31.
Variant type: single nucleotide variant.
Coding change: c.4249G>A on transcript NM_007294.4 (MANE Select); coding-DNA position 4249, G replaced by A.
Protein change: p.Val1417Met; replaces valine 1417 with methionine.
Molecular consequence: missense variant. On other transcripts: non-coding transcript variant (1).
Genome position (GRCh38, 1-based): chr17:43,082,512, C>T on the plus strand (G>A on the coding strand, the complement: BRCA1 is on the minus strand). VCF-style: chr17-43082512-C-T. GRCh37 (hg19) VCF-style: chr17-41234529-C-T.
Other names: c.730G>A, p.Val244Met (NM_001408481.1, NM_001408482.1, NM_001408485.1 and 6 more transcripts); c.727G>A, p.Val243Met (NM_001408489.1, NM_001408490.1, NM_001408492.1 and 3 more transcripts); c.4036G>A, p.Val1346Met (NM_001407909.1, NM_001407916.1, NM_001407917.1 and 12 more transcripts); c.4126G>A, p.Val1376Met (NM_001407919.1, NM_001407648.1, NM_001407664.1 and 13 more transcripts); c.4033G>A, p.Val1345Met (NM_001407915.1); c.4237G>A, p.Val1413Met (NM_001407646.1, NM_001407647.1); c.4123G>A, p.Val1375Met (NM_001407649.1, NM_001407670.1, NM_001407671.1 and 12 more transcripts); c.4249G>A, p.Val1417Met (NM_001407652.1, NM_001407684.1, NM_001407854.1 and 23 more transcripts); and 51 more; short protein forms V1417M, V1370M, V314M, V1248M, V1289M, V1349M, V1374M, V1375M.
Identifiers: ClinVar variation 462641 (VCV000462641.17), dbSNP rs1029805420, ClinGen allele CA10593223.
Genomic context (GRCh38, chr17:43,082,512, plus strand): 5'-AAGAGTCACTTATGATGGAAGGGTAGCTGTTAGAAGGCTGGCTCCCATGCTGTTCTAACA[C>T]AGCTTCTAGTTCAGCCATTTCCTGCTGGAGCTTTATCAGGTTATGTTGCATGGTATCCCT-3'
Protein context (NP_009225.1, residues 1407-1427): LQQEMAELEA[Val1417Met]LEQHGSQPSN

ClinVar aggregate classification (germline): Uncertain significance. Review status: criteria provided, multiple submitters, no conflicts (2 of 4 stars). 3 submissions from 3 submitters: Uncertain significance (3). Last evaluated 2025-12-05.

Conditions:
Hereditary cancer-predisposing syndrome. Also called: Neoplastic Syndromes, Hereditary; Hereditary Cancer Syndrome; Hereditary neoplastic syndrome; Tumor predisposition. Identifiers: Orphanet 140162, MedGen C0027672, MeSH D009386, MONDO:0015356.
Hereditary breast ovarian cancer syndrome. Also called: Hereditary breast and ovarian cancer syndrome (HBOC); Hereditary breast and ovarian cancer syndrome; Breast and ovarian cancer; Hereditary breast and/or ovarian cancer syndrome; Hereditary breast and ovarian cancer; BRCA1- and BRCA2-Associated Hereditary Breast and Ovarian Cancer. Identifiers: Orphanet 145, MedGen C0677776, MeSH D061325, MONDO:0003582. Disease mechanism: loss of function.

Submissions (3):

Ambry Genetics
Classification: Uncertain significance for Hereditary cancer-predisposing syndrome. Last evaluated: 2025-12-05. Review status: criteria provided, single submitter. Criteria: Ambry Variant Classification Scheme 2023. Collection method: clinical testing. Allele origin: germline.
Comment: The p.V1417M variant (also known as c.4249G>A), located in coding exon 11 of the BRCA1 gene, results from a G to A substitution at nucleotide position 4249. The valine at codon 1417 is replaced by methionine, an amino acid with highly similar properties. This amino acid position is highly conserved in available vertebrate species. In addition, the in silico prediction for this alteration is inconclusive. Since supporting evidence is limited at this time, the clinical significance of this alteration remains unclear.

Labcorp Genetics (formerly Invitae), Labcorp
Classification: Uncertain significance for Hereditary breast ovarian cancer syndrome. Last evaluated: 2025-05-30. Review status: criteria provided, single submitter. Criteria: Invitae Variant Classification Sherloc (09022015). Collection method: clinical testing. Allele origin: germline.
Comment: This sequence change replaces valine, which is neutral and non-polar, with methionine, which is neutral and non-polar, at codon 1417 of the BRCA1 protein (p.Val1417Met). This variant is not present in population databases (gnomAD no frequency). This variant has not been reported in the literature in individuals affected with BRCA1-related conditions. ClinVar contains an entry for this variant (Variation ID: 462641). Invitae Evidence Modeling of protein sequence and biophysical properties (such as structural, functional, and spatial information, amino acid conservation, physicochemical variation, residue mobility, and thermodynamic stability) indicates that this missense variant is expected to disrupt BRCA1 protein function with a positive predictive value of 80%. In summary, the available evidence is currently insufficient to determine the role of this variant in disease. Therefore, it has been classified as a Variant of Uncertain Significance.

Quest Diagnostics Nichols Institute San Juan Capistrano
Classification: Uncertain significance. Last evaluated: 2024-03-22. Review status: criteria provided, single submitter. Criteria: Quest Diagnostics criteria. Collection method: clinical testing. Allele origin: unknown.
Comment: The BRCA1 c.4249G>A (p.Val1417Met) variant has been reported in the published literature in a reportedly healthy individual (PMID: 33471991 (2021), see also LOVD). This variant has not been reported in large, multi-ethnic general populations (Genome Aggregation Database). Analysis of this variant using bioinformatics tools for the prediction of the effect of amino acid changes on protein structure and function yielded predictions that this variant is benign. Based on the available information, we are unable to determine the clinical significance of this variant.

Literature cited by the submitters: PubMed 33471991 (cited by Quest Diagnostics Nichols Institute San Juan Capistrano).